The following is an entry in ClinVar:

NM_001540.3(HSPB1):c.-122G>T

Gene: HSPB1 (heat shock protein family B (small) member 1; plus strand). Cytogenetic location: 7q11.23.
Variant type: single nucleotide variant.
Coding change: c.-122G>T on transcript NM_001540.3; 122 bases upstream of the start codon, G replaced by T.
Genome position (GRCh38, 1-based): chr7:76,302,591, G>T. VCF-style: chr7-76302591-G-T. GRCh37 (hg19) VCF-style: chr7-75931908-G-T.
Identifiers: ClinVar variation 360734 (VCV000360734.30), dbSNP rs553127513, ClinGen allele CA10626441.

ClinVar aggregate classification (germline): Conflicting classifications of pathogenicity. Review status: criteria provided, conflicting classifications (1 of 4 stars). 4 submissions from 3 submitters: Uncertain significance (3); Benign (1). Last evaluated 2022-08-01.

Conditions:
Neuronopathy, distal hereditary motor, type 2B. Also called: NEURONOPATHY, DISTAL HEREDITARY MOTOR, AUTOSOMAL DOMINANT 3; NEURONOPATHY, DISTAL HEREDITARY MOTOR, HARDING TYPE IIB; NEUROPATHY, DISTAL HEREDITARY MOTOR, HARDING TYPE IIB; HMN IIB. Identifiers: Orphanet 139525, MedGen C2608087, MONDO:0012080, OMIM 608634.
Charcot-Marie-Tooth disease axonal type 2F (CMT2F). Also called: CHARCOT-MARIE-TOOTH DISEASE, NEURONAL, TYPE 2F; Charcot-Marie-Tooth Neuropathy Type 2F. Identifiers: Orphanet 99940, MedGen C1847823, MONDO:0011687, OMIM 606595.

Allele frequency attached by ClinVar (database versions not stated): TOPMed 0.00083.

Submissions (4):

CeGaT Center for Human Genetics Tuebingen
Classification: Benign. Last evaluated: 2022-08-01. Review status: criteria provided, single submitter. Criteria: CeGaT Center For Human Genetics Tuebingen Variant Classification Criteria Version 2. Collection method: clinical testing. Allele origin: germline. Affected: yes. Observed: 1 variant allele.
Comment: HSPB1: BS1, BS2

Illumina Laboratory Services, Illumina
Classification: Uncertain significance for Charcot-Marie-Tooth disease axonal type 2F. Last evaluated: 2018-01-13. Review status: criteria provided, single submitter. Criteria: ICSL Variant Classification Criteria 13 December 2019. Collection method: clinical testing. Allele origin: germline.

Illumina Laboratory Services, Illumina
Classification: Uncertain significance for Neuronopathy, distal hereditary motor, type 2B. Last evaluated: 2018-01-13. Review status: criteria provided, single submitter. Criteria: ICSL Variant Classification Criteria 13 December 2019. Collection method: clinical testing. Allele origin: germline.

Breakthrough Genomics
Classification: Uncertain significance. Review status: criteria provided, single submitter. Criteria: ACMG Guidelines, 2015. Collection method: not provided. Allele origin: germline. Inheritance: Autosomal dominant inheritance. Affected: yes.